The following is an entry in ClinVar:

ClinVar aggregate classification (germline): Uncertain significance. Review status: criteria provided, multiple submitters, no conflicts (2 of 4 stars). 2 submissions from 2 submitters: Uncertain significance (2). Last evaluated 2025-08-14.

Conditions:
Inborn genetic diseases. Identifiers: MedGen C0950123, MeSH D030342.

gnomAD v4.1: 31 of 1,613,484 alleles (0.0019%); highest among the groups gnomAD compares: Non-Finnish European, 0.0024%; no homozygotes.

Submissions (2):

Ambry Genetics
Classification: Uncertain significance for Inborn genetic diseases. Last evaluated: 2025-08-14. Review status: criteria provided, single submitter. Criteria: Ambry Variant Classification Scheme 2023. Collection method: clinical testing. Allele origin: germline.

Labcorp Genetics (formerly Invitae), Labcorp
Classification: Uncertain significance. Last evaluated: 2025-04-29. Review status: criteria provided, single submitter. Criteria: Invitae Variant Classification Sherloc (09022015). Collection method: clinical testing. Allele origin: germline.
Comment: This sequence change replaces arginine, which is basic and polar, with tryptophan, which is neutral and slightly polar, at codon 1580 of the PKD1L1 protein (p.Arg1580Trp). This variant is present in population databases (rs762682035, gnomAD 0.008%). This variant has not been reported in the literature in individuals affected with PKD1L1-related conditions. Invitae Evidence Modeling of protein sequence and biophysical properties (such as structural, functional, and spatial information, amino acid conservation, physicochemical variation, residue mobility, and thermodynamic stability) indicates that this missense variant is not expected to disrupt PKD1L1 protein function with a negative predictive value of 80%. Algorithms developed to predict the effect of sequence changes on RNA splicing suggest that this variant may disrupt the consensus splice site. In summary, the available evidence is currently insufficient to determine the role of this variant in disease. Therefore, it has been classified as a Variant of Uncertain Significance.

NM_138295.5(PKD1L1):c.4738C>T (p.Arg1580Trp)

Gene: PKD1L1 (polycystin 1 like 1, transient receptor potential channel interacting; minus strand). Cytogenetic location: 7p12.3.
Variant type: single nucleotide variant.
Coding change: c.4738C>T on transcript NM_138295.5 (MANE Select); coding-DNA position 4738, C replaced by T.
Protein change: p.Arg1580Trp; replaces arginine 1580 with tryptophan.
Molecular consequence: missense variant.
Genome position (GRCh38, 1-based): chr7:47,855,003, G>A on the plus strand (C>T on the coding strand, the complement: PKD1L1 is on the minus strand). VCF-style: chr7-47855003-G-A. GRCh37 (hg19) VCF-style: chr7-47894601-G-A.
Other names: short protein forms R1580W.
Identifiers: ClinVar variation 4137501 (VCV004137501.2).